The following is an entry in ClinVar:

NM_001273.5(CHD4):c.4733A>T (p.Glu1578Val)

Genes: CHD4 (chromodomain helicase DNA binding protein 4; minus strand), CHD4-AS1 (CHD4 antisense RNA 1; plus strand). Cytogenetic location: 12p13.31.
Variant type: single nucleotide variant.
Coding change: c.4733A>T on transcript NM_001273.5 (MANE Select); coding-DNA position 4733, A replaced by T.
Protein change: p.Glu1578Val; replaces glutamic acid 1578 with valine.
Molecular consequence: missense variant.
Genome position (GRCh38, 1-based): chr12:6,581,337, T>A on the plus strand (A>T on the coding strand, the complement: CHD4 is on the minus strand). VCF-style: chr12-6581337-T-A. GRCh37 (hg19) VCF-style: chr12-6690503-T-A.
Other names: c.4712A>T, p.Glu1571Val (NM_001297553.2); c.4694A>T, p.Glu1565Val (NM_001363606.2); short protein forms E1565V, E1571V, E1578V.
Identifiers: ClinVar variation 4882842 (VCV004882842.2).

ClinVar aggregate classification (germline): Uncertain significance (1 of 4 stars; one submission).

Conditions:
Sifrim-Hitz-Weiss syndrome (SIHIWES). Also called: SIFRIM-HITZ-WEISS MULTIPLE CONGENITAL ANOMALIES-MENTAL RETARDATION SYNDROME; CHD4 Neurodevelopmental Disorder. Identifiers: Orphanet 653712, MedGen C4310688, MONDO:0014946, OMIM 617159.

Submission:

Dasa
Classification: Uncertain significance for Sifrim-Hitz-Weiss syndrome. Last evaluated: 2025-07-26. Review status: criteria provided, single submitter. Criteria: DASA Assertion Criteria. Collection method: clinical testing. Allele origin: germline.
Comment: NM_001273.5(CHD4):c.4733A>T (p.Glu1578Val) is a missense variant that results in the substitution of glutamic acid with valine. This variant is absent from population databases. The currently available literature and clinical evidence are not sufficient to establish a definitive association between this variant and the reported condition. Therefore, this variant is classified as a variant of uncertain significance.